The following is an entry in ClinVar:

ClinVar aggregate classification (germline): Uncertain significance (1 of 4 stars; one submission).

Conditions:
Inborn genetic diseases. Identifiers: MedGen C0950123, MeSH D030342.

Submission:

Ambry Genetics
Classification: Uncertain significance for Inborn genetic diseases. Last evaluated: 2025-02-05. Review status: criteria provided, single submitter. Criteria: Ambry Variant Classification Scheme 2023. Collection method: clinical testing. Allele origin: germline.
Comment: The p.S516N variant (also known as c.1547G>A), located in coding exon 9 of the FANCM gene, results from a G to A substitution at nucleotide position 1547. The serine at codon 516 is replaced by asparagine, an amino acid with highly similar properties. This amino acid position is conserved. In addition, this alteration is predicted to be tolerated by in silico analysis. Based on the available evidence, the clinical significance of this variant remains unclear.

NM_020937.4(FANCM):c.1547G>A (p.Ser516Asn)

Gene: FANCM (FA complementation group M; plus strand). Cytogenetic location: 14q21.2.
Variant type: single nucleotide variant.
Coding change: c.1547G>A on transcript NM_020937.4 (MANE Select); coding-DNA position 1547, G replaced by A.
Protein change: p.Ser516Asn; replaces serine 516 with asparagine.
Molecular consequence: missense variant.
Genome position (GRCh38, 1-based): chr14:45,159,246, G>A. VCF-style: chr14-45159246-G-A. GRCh37 (hg19) VCF-style: chr14-45628449-G-A.
Other names: c.1469G>A, p.Ser490Asn (NM_001308133.2); c.1547G>A, p.Ser516Asn (NM_001308134.2); short protein forms S516N, S490N.
Identifiers: ClinVar variation 3848700 (VCV003848700.1).
Genomic context (GRCh38, chr14:45,159,246, plus strand): 5'-TTTCACAGCATCAGCCAATTATTAGAGTAATGACTTTTGTCGGCCATGCCTCAGGGAAAA[G>A]CACGAAGGGTTTTACCCAGAAGGAGCAACTGGAGGTAATTATTTTTGGAATTGATAAAAA-3'
Protein context (NP_065988.1, residues 506-526): MTFVGHASGK[Ser516Asn]TKGFTQKEQL